The following is an entry in ClinVar:

ClinVar aggregate classification (germline): Likely benign. Review status: criteria provided, multiple submitters, no conflicts (2 of 4 stars). 3 submissions from 3 submitters: Likely benign (3). Last evaluated 2025-12-01.

Allele frequency attached by ClinVar (database versions not stated): TOPMed 0.00001; ExAC 0.00004; gnomAD 0.00004; gnomAD exomes 0.00004; ESP Exome Variant Server 0.00008.
gnomAD v4.1: 57 of 1,613,796 alleles (0.0035%); highest among the groups gnomAD compares: Non-Finnish European, 0.0046%; no homozygotes.

Submissions (3):

CeGaT Center for Human Genetics Tuebingen
Classification: Likely benign. Last evaluated: 2025-12-01. Review status: criteria provided, single submitter. Criteria: CeGaT Center For Human Genetics Tuebingen Variant Classification Criteria Version 2. Collection method: clinical testing. Allele origin: germline. Affected: yes. Observed: 1 variant allele.
Comment: POGLUT1: BP4, BP7

Labcorp Genetics (formerly Invitae), Labcorp
Classification: Likely benign. Last evaluated: 2025-11-26. Review status: criteria provided, single submitter. Criteria: Invitae Variant Classification Sherloc (09022015). Collection method: clinical testing. Allele origin: germline.

Blueprint Genetics
Classification: Likely benign. Last evaluated: 2024-09-19. Review status: criteria provided, single submitter. Criteria: ACMG Guidelines, 2015. Collection method: clinical testing. Allele origin: germline.

NM_152305.3(POGLUT1):c.378G>A (p.Glu126=)

Gene: POGLUT1 (protein O-glucosyltransferase 1; plus strand). Cytogenetic location: 3q13.33.
Variant type: single nucleotide variant.
Coding change: c.378G>A on transcript NM_152305.3 (MANE Select); coding-DNA position 378, G replaced by A.
Protein change: p.Glu126=; no amino-acid change (glutamic acid 126 retained).
Molecular consequence: synonymous variant. On other transcripts: non-coding transcript variant (1).
Genome position (GRCh38, 1-based): chr3:119,477,370, G>A. VCF-style: chr3-119477370-G-A. GRCh37 (hg19) VCF-style: chr3-119196217-G-A.
Other names: c.378G>A, p.Glu126= (NM_020231.3).
Identifiers: ClinVar variation 2059529 (VCV002059529.9), dbSNP rs144240664, ClinGen allele CA2554830.